The following is an entry in ClinVar:

ClinVar aggregate classification (germline): Uncertain significance. Review status: criteria provided, multiple submitters, no conflicts (2 of 4 stars). 4 submissions from 4 submitters: Uncertain significance (4). Last evaluated 2026-01-21.

Conditions:
Inborn genetic diseases. Identifiers: MedGen C0950123, MeSH D030342.
Focal epilepsy. Also called: partial epilepsy. Identifiers: MedGen C0014547, MeSH D004828, MONDO:0005384.
Familial focal epilepsy with variable foci (FPEVF). Identifiers: Orphanet 98820, MedGen C1858477, MONDO:0020310.

Allele frequency attached by ClinVar (database versions not stated): TOPMed below 0.00001.
gnomAD v4.1: 6 of 1,614,050 alleles (0.00037%); highest among the groups gnomAD compares: Non-Finnish European, 0.00051%; no homozygotes.

Submissions (4):

Labcorp Genetics (formerly Invitae), Labcorp
Classification: Uncertain significance for Familial focal epilepsy with variable foci. Last evaluated: 2026-01-21. Review status: criteria provided, single submitter. Criteria: Invitae Variant Classification Sherloc (09022015). Collection method: clinical testing. Allele origin: germline.
Comment: This sequence change replaces arginine, which is basic and polar, with histidine, which is basic and polar, at codon 1583 of the DEPDC5 protein (p.Arg1583His). This variant is not present in population databases (gnomAD no frequency). This variant has not been reported in the literature in individuals affected with DEPDC5-related conditions. ClinVar contains an entry for this variant (Variation ID: 1303653). Experimental studies and prediction algorithms are not available or were not evaluated, and the functional significance of this variant is currently unknown. In summary, the available evidence is currently insufficient to determine the role of this variant in disease. Therefore, it has been classified as a Variant of Uncertain Significance.

Ambry Genetics
Classification: Uncertain significance for Inborn genetic diseases. Last evaluated: 2025-06-18. Review status: criteria provided, single submitter. Criteria: Ambry Variant Classification Scheme 2023. Collection method: clinical testing. Allele origin: germline.

Department of Pathology and Laboratory Medicine, Sinai Health System
Classification: Uncertain significance for focal epilepsy. Last evaluated: 2021-07-30. Review status: criteria provided, single submitter. Criteria: ACMG Guidelines, 2015. Collection method: research. Allele origin: germline.

GeneDx
Classification: Uncertain significance. Last evaluated: 2019-05-03. Review status: criteria provided, single submitter. Criteria: GeneDx Variant Classification Process June 2021. Collection method: clinical testing. Allele origin: germline. Affected: yes.
Comment: Not observed in large population cohorts (Lek et al., 2016); In silico analysis, which includes protein predictors and evolutionary conservation, supports that this variant does not alter protein structure/function; Has not been previously published as pathogenic or benign to our knowledge

NM_001242896.3(DEPDC5):c.4748G>A (p.Arg1583His)

Gene: DEPDC5 (DEP domain containing 5, GATOR1 subcomplex subunit; plus strand). Cytogenetic location: 22q12.3.
Variant type: single nucleotide variant.
Coding change: c.4748G>A on transcript NM_001242896.3 (MANE Select); coding-DNA position 4748, G replaced by A.
Protein change: p.Arg1583His; replaces arginine 1583 with histidine.
Molecular consequence: missense variant. On other transcripts: non-coding transcript variant (5).
Genome position (GRCh38, 1-based): chr22:31,906,433, G>A. VCF-style: chr22-31906433-G-A. GRCh37 (hg19) VCF-style: chr22-32302419-G-A.
Other names: c.4721G>A, p.Arg1574His (NM_001136029.4); c.4448G>A, p.Arg1483His (NM_001242897.2); c.4682G>A, p.Arg1561His (NM_001363852.2, NM_001364320.2); c.4514G>A, p.Arg1505His (NM_001363854.2, NM_001364319.2); c.4748G>A, p.Arg1583His (NM_001364318.2); c.4664G>A, p.Arg1555His (NM_001369901.1, NM_001369902.1); c.4655G>A, p.Arg1552His (NM_001369903.1, NM_014662.6); short protein forms R1483H, R1505H, R1552H, R1555H, R1561H, R1574H, R1583H.
Identifiers: ClinVar variation 1303653 (VCV001303653.7), dbSNP rs2093761069, ClinGen allele CA411293204.